The following is an entry in ClinVar:

NM_002485.5(NBN):c.1786G>T (p.Asp596Tyr)

Gene: NBN (nibrin; minus strand). Cytogenetic location: 8q21.3.
Variant type: single nucleotide variant.
Coding change: c.1786G>T on transcript NM_002485.5 (MANE Select); coding-DNA position 1786, G replaced by T.
Protein change: p.Asp596Tyr; replaces aspartic acid 596 with tyrosine.
Molecular consequence: missense variant.
Genome position (GRCh38, 1-based): chr8:89,953,303, C>A on the plus strand (G>T on the coding strand, the complement: NBN is on the minus strand). VCF-style: chr8-89953303-C-A. GRCh37 (hg19) VCF-style: chr8-90965531-C-A.
Other names: c.1540G>T, p.Asp514Tyr (NM_001024688.3); short protein forms D514Y, D596Y.
Identifiers: ClinVar variation 820084 (VCV000820084.5), dbSNP rs1467034784, ClinGen allele CA371655091.

ClinVar aggregate classification (germline): Uncertain significance (1 of 4 stars; one submission).

Conditions:
Hereditary cancer-predisposing syndrome. Also called: Neoplastic Syndromes, Hereditary; Tumor predisposition; Hereditary Cancer Syndrome; Hereditary neoplastic syndrome. Identifiers: Orphanet 140162, MedGen C0027672, MeSH D009386, MONDO:0015356.

Submission:

Ambry Genetics
Classification: Uncertain significance for Hereditary cancer-predisposing syndrome. Last evaluated: 2025-09-19. Review status: criteria provided, single submitter. Criteria: Ambry Variant Classification Scheme 2023. Collection method: clinical testing. Allele origin: germline.
Comment: The p.D596Y variant (also known as c.1786G>T), located in coding exon 11 of the NBN gene, results from a G to T substitution at nucleotide position 1786. The aspartic acid at codon 596 is replaced by tyrosine, an amino acid with highly dissimilar properties. This amino acid position is not well conserved in available vertebrate species. In addition, this alteration is predicted to be tolerated by in silico analysis. Since supporting evidence is limited at this time, the clinical significance of this alteration remains unclear.